The following is an entry in ClinVar:

ClinVar aggregate classification (germline): Uncertain significance (1 of 4 stars; one submission).

Conditions:
Multiple gastrointestinal atresias. Also called: FAMILIAL INTESTINAL POLYATRESIA SYNDROME; Multiple intestinal atresia. Identifiers: Orphanet 2300, MedGen C0220744, MONDO:0009465.

gnomAD v4.1: 1 of 1,613,772 alleles (0.000062%); no homozygotes.

Submission:

Labcorp Genetics (formerly Invitae), Labcorp
Classification: Uncertain significance for Multiple gastrointestinal atresias. Last evaluated: 2020-03-05. Review status: criteria provided, single submitter. Criteria: Invitae Variant Classification Sherloc (09022015). Collection method: clinical testing. Allele origin: germline.
Comment: In summary, the available evidence is currently insufficient to determine the role of this variant in disease. Therefore, it has been classified as a Variant of Uncertain Significance. Algorithms developed to predict the effect of missense changes on protein structure and function are either unavailable or do not agree on the potential impact of this missense change (SIFT: "Tolerated"; PolyPhen-2: "Benign"; Align-GVGD: "Class C0"). This variant has not been reported in the literature in individuals with TTC7A-related disease. This variant is not present in population databases (ExAC no frequency). This sequence change replaces methionine with valine at codon 603 of the TTC7A protein (p.Met603Val). The methionine residue is weakly conserved and there is a small physicochemical difference between methionine and valine.

NM_020458.4(TTC7A):c.1807A>G (p.Met603Val)

Gene: TTC7A (tetratricopeptide repeat domain 7A; plus strand). Cytogenetic location: 2p21.
Variant type: single nucleotide variant.
Coding change: c.1807A>G on transcript NM_020458.4 (MANE Select); coding-DNA position 1807, A replaced by G.
Protein change: p.Met603Val; replaces methionine 603 with valine.
Molecular consequence: missense variant.
Genome position (GRCh38, 1-based): chr2:47,046,319, A>G. VCF-style: chr2-47046319-A-G. GRCh37 (hg19) VCF-style: chr2-47273458-A-G.
Other names: c.1807A>G, p.Met603Val (LRG_1323t1, NM_001288951.2); c.1705A>G, p.Met569Val (NM_001288953.2); c.745A>G, p.Met249Val (NM_001288955.2); short protein forms M569V, M249V, M603V.
Identifiers: ClinVar variation 640489 (VCV000640489.9), dbSNP rs1573016401, ClinGen allele CA346719547.